The following is an entry in ClinVar:

ClinVar aggregate classification (germline): Uncertain significance. Review status: criteria provided, multiple submitters, no conflicts (2 of 4 stars). 2 submissions from 2 submitters: Uncertain significance (2). Last evaluated 2022-11-17.

Conditions:
Hereditary cancer-predisposing syndrome. Also called: Hereditary Cancer Syndrome; Hereditary neoplastic syndrome; Tumor predisposition; Neoplastic Syndromes, Hereditary. Identifiers: Orphanet 140162, MedGen C0027672, MeSH D009386, MONDO:0015356.

Submissions (2):

Ambry Genetics
Classification: Uncertain significance for Hereditary cancer-predisposing syndrome. Last evaluated: 2022-11-17. Review status: criteria provided, single submitter. Criteria: Ambry Variant Classification Scheme 2023. Collection method: clinical testing. Allele origin: germline.
Comment: The p.N26S variant (also known as c.77A>G), located in coding exon 1 of the HOXB13 gene, results from an A to G substitution at nucleotide position 77. The asparagine at codon 26 is replaced by serine, an amino acid with highly similar properties. This amino acid position is conserved. In addition, this alteration is predicted to be tolerated by in silico analysis. Since supporting evidence is limited at this time, the clinical significance of this alteration remains unclear.

Labcorp Genetics (formerly Invitae), Labcorp
Classification: Uncertain significance. Last evaluated: 2019-12-12. Review status: criteria provided, single submitter. Criteria: Invitae Variant Classification Sherloc (09022015). Collection method: clinical testing. Allele origin: germline.
Comment: This variant has not been reported in the literature in individuals with HOXB13-related conditions. This variant is not present in population databases (ExAC no frequency). This sequence change replaces asparagine with serine at codon 26 of the HOXB13 protein (p.Asn26Ser). The asparagine residue is moderately conserved and there is a small physicochemical difference between asparagine and serine. Algorithms developed to predict the effect of missense changes on protein structure and function (SIFT, PolyPhen-2, Align-GVGD) all suggest that this variant is likely to be tolerated, but these predictions have not been confirmed by published functional studies and their clinical significance is uncertain. In summary, the available evidence is currently insufficient to determine the role of this variant in disease. Therefore, it has been classified as a Variant of Uncertain Significance.

NM_006361.6(HOXB13):c.77A>G (p.Asn26Ser)

Gene: HOXB13 (homeobox B13; minus strand). Cytogenetic location: 17q21.32.
Variant type: single nucleotide variant.
Coding change: c.77A>G on transcript NM_006361.6 (MANE Select); coding-DNA position 77, A replaced by G.
Protein change: p.Asn26Ser; replaces asparagine 26 with serine.
Molecular consequence: missense variant.
Genome position (GRCh38, 1-based): chr17:48,728,517, T>C on the plus strand (A>G on the coding strand, the complement: HOXB13 is on the minus strand). VCF-style: chr17-48728517-T-C. GRCh37 (hg19) VCF-style: chr17-46805879-T-C.
Other names: short protein forms N26S.
Identifiers: ClinVar variation 841031 (VCV000841031.12), dbSNP rs1597935191, ClinGen allele CA400109560.